The following is an entry in ClinVar:

ClinVar aggregate classification (germline): Pathogenic (1 of 4 stars; one submission).

Conditions:
Spastic paraplegia. Identifiers: MedGen C0037772, HP:0001258.

Allele frequency attached by ClinVar (database versions not stated): TOPMed below 0.00001; ExAC 0.00001; gnomAD 0.00001.

Submission:

Labcorp Genetics (formerly Invitae), Labcorp
Classification: Pathogenic for Spastic paraplegia. Last evaluated: 2023-02-23. Review status: criteria provided, single submitter. Criteria: Invitae Variant Classification Sherloc (09022015). Collection method: clinical testing. Allele origin: germline.
Comment: For these reasons, this variant has been classified as Pathogenic. This sequence change creates a premature translational stop signal (p.Glu706Argfs*38) in the ZFYVE26 gene. It is expected to result in an absent or disrupted protein product. Loss-of-function variants in ZFYVE26 are known to be pathogenic (PMID: 18394578, 19805727). This variant is not present in population databases (gnomAD no frequency). This variant has not been reported in the literature in individuals affected with ZFYVE26-related conditions.

Literature cited by the submitters: PubMed 18394578; PubMed 19805727.

NM_015346.4(ZFYVE26):c.2115del (p.Glu706fs)

Gene: ZFYVE26 (zinc finger FYVE-type containing 26; minus strand). Cytogenetic location: 14q24.1.
Variant type: Deletion.
Coding change: c.2115del on transcript NM_015346.4 (MANE Select); coding-DNA position 2115, one base deleted (T; older notation c.2115delT).
Protein change: p.Glu706fs; shifts the reading frame from glutamic acid 706.
Molecular consequence: frameshift variant.
Genome position (GRCh38, 1-based): chr14:67,798,147, A deleted on the plus strand (T on the coding strand, the reverse complement: ZFYVE26 is on the minus strand). VCF-style (leftmost placement, unchanged base first): chr14-67798146-CA-C. GRCh37 (hg19) VCF-style: chr14-68264863-CA-C.
Other names: short protein forms E706fs.
Identifiers: ClinVar variation 2870643 (VCV002870643.4), dbSNP rs768560167, ClinGen allele CA7240395.